The following is an entry in ClinVar:

ClinVar aggregate classification (germline): Pathogenic. Review status: criteria provided, multiple submitters, no conflicts (2 of 4 stars). 7 submissions from 7 submitters: Pathogenic (4). 3 of the submissions do not count toward it. Last evaluated 2024-10-14.

Conditions:
Mitochondrial complex I deficiency, nuclear type 1. Also called: NADH-COENZYME Q REDUCTASE DEFICIENCY; MITOCHONDRIAL NADH DEHYDROGENASE COMPONENT OF COMPLEX I, DEFICIENCY OF. Identifiers: MedGen C6022305, MONDO:0100224, OMIM 252010.
Leigh syndrome (NULS). Also called: LEIGH SYNDROME, NUCLEAR; Leigh's necrotizing encephalopathy; Leigh's disease; Leigh's syndrome; Leigh Disease; Leigh Syndrome (mtDNA deletion). Identifiers: Orphanet 506, MedGen C2931891, MONDO:0009723, OMIM 256000.

Submissions (7):

3billion
Classification: Pathogenic for Mitochondrial complex I deficiency, nuclear type 1. Last evaluated: 2024-10-14. Review status: criteria provided, single submitter. Criteria: ACMG Guidelines, 2015. Collection method: clinical testing. Allele origin: germline. Affected: yes.
Comment: The variant is observed at an extremely low frequency in the gnomAD v4.1.0 dataset (total allele frequency: <0.001%). Predicted Consequence/Location: Stop-gained (nonsense): predicted to result in a loss or disruption of normal protein function through nonsense-mediated decay (NMD) or protein truncation. Multiple pathogenic variants are reported downstream of the variant. The variant has been reported at least twice as pathogenic with clinical assertions and evidence for the classification (ClinVar ID: VCV000006888 /PMID: 10944442). Therefore, this variant is classified as Pathogenic according to the recommendation of ACMG/AMP guideline.

GeneDx
Classification: Pathogenic. Last evaluated: 2024-09-01. Review status: criteria provided, single submitter. Criteria: GeneDx Variant Classification Process June 2021. Collection method: clinical testing. Allele origin: germline. Affected: yes.
Comment: Nonsense variant predicted to result in protein truncation or nonsense mediated decay in a gene for which loss of function is a known mechanism of disease; Not observed at significant frequency in large population cohorts (gnomAD); This variant is associated with the following publications: (PMID: 27126960, 12944388, 10944442, 27374853, 27079373, 27671926, 26024641, 30634555, 14765537, 16213125, 22326555)

Labcorp Genetics (formerly Invitae), Labcorp
Classification: Pathogenic. Last evaluated: 2024-01-16. Review status: criteria provided, single submitter. Criteria: Invitae Variant Classification Sherloc (09022015). Collection method: clinical testing. Allele origin: germline.
Comment: This sequence change creates a premature translational stop signal (p.Trp97*) in the NDUFS4 gene. It is expected to result in an absent or disrupted protein product. Loss-of-function variants in NDUFS4 are known to be pathogenic (PMID: 10944442, 16213125). The frequency data for this variant in the population databases is considered unreliable, as metrics indicate poor data quality at this position in the gnomAD database. This premature translational stop signal has been observed in individual(s) with Leigh syndrome (PMID: 10944442, 27079373). ClinVar contains an entry for this variant (Variation ID: 6888). For these reasons, this variant has been classified as Pathogenic.

Women's Health and Genetics/Laboratory Corporation of America, LabCorp
Classification: Pathogenic for Leigh syndrome. Last evaluated: 2022-10-06. Review status: criteria provided, single submitter. Criteria: LabCorp Variant Classification Summary - May 2015. Collection method: clinical testing. Allele origin: germline.
Comment: Variant summary: NDUFS4 c.291delG (p.Trp97X) results in a premature termination codon, predicted to cause a truncation of the encoded protein or absence of the protein due to nonsense mediated decay, which are commonly known mechanisms for disease. Truncations downstream of this position have been classified as pathogenic by our laboratory. The variant was absent in 251386 control chromosomes. c.291delG has been reported in the literature in multiple individuals affected with Leigh Syndrome (Assouline_2012, Jou_2019, Budde_2000). These data indicate that the variant is very likely to be associated with disease. One clinical diagnostic laboratory has submitted clinical-significance assessments for this variant to ClinVar after 2014 without evidence for independent evaluation. One laboratory classified the variant as pathogenic. Based on the evidence outlined above, the variant was classified as pathogenic.

OMIM
Classification: Pathogenic for MITOCHONDRIAL COMPLEX I DEFICIENCY, NUCLEAR TYPE 1. Last evaluated: 2000-08-18. Review status: no assertion criteria provided. Collection method: literature only. Allele origin: germline. Not counted in ClinVar's aggregate classification.

Genome Diagnostics Laboratory, Amsterdam University Medical Center
Classification: Pathogenic. Review status: no assertion criteria provided. Collection method: clinical testing. Allele origin: germline. Affected: yes. Study: VKGL Data-share Consensus. Not counted in ClinVar's aggregate classification.

Genome Diagnostics Laboratory, University Medical Center Utrecht
Classification: Pathogenic. Review status: no assertion criteria provided. Collection method: clinical testing. Allele origin: germline. Affected: yes. Study: VKGL Data-share Consensus. Not counted in ClinVar's aggregate classification.

Literature cited by the submitters: PubMed 10944442 (cited by 3 submitters); PubMed 16213125 (cited by Labcorp Genetics (formerly Invitae), Labcorp); PubMed 27079373 (cited by Labcorp Genetics (formerly Invitae), Labcorp); PubMed 22326555 (cited by Women's Health and Genetics/Laboratory Corporation of America, LabCorp); PubMed 14765537 (cited by Women's Health and Genetics/Laboratory Corporation of America, LabCorp); PubMed 30634555 (cited by Women's Health and Genetics/Laboratory Corporation of America, LabCorp).

NM_002495.4(NDUFS4):c.291del (p.Lys96_Trp97insTer)

Gene: NDUFS4 (NADH:ubiquinone oxidoreductase subunit S4; plus strand). Cytogenetic location: 5q11.2.
Variant type: Deletion.
Coding change: c.291del on transcript NM_002495.4 (MANE Select); coding-DNA position 291, one base deleted (G; older notation c.291delG).
Protein change: p.Lys96_Trp97insTer.
Molecular consequence: nonsense. On other transcripts: non-coding transcript variant (3).
Genome position (GRCh38, 1-based): chr5:53,646,346, G deleted; the last of 2 consecutive G bases (chr5:53,646,345-53,646,346); deleting either gives the same sequence. VCF-style (leftmost placement, unchanged base first): chr5-53646344-TG-T. GRCh37 (hg19) VCF-style: chr5-52942174-TG-T.
Other names: W96*; c.291del (NM_002495.2); c.291del, p.Lys96_Trp97insTer (NM_001318051.2).
Identifiers: ClinVar variation 6888 (VCV000006888.11), dbSNP rs121908985, ClinGen allele CA118547.
Genomic context (GRCh38, chr5:53,646,344, plus strand): 5'-GTCAGGATCTTTGTTCCTGCTCGCAATAACATGCAGTCTGGAGTAAACAACACAAAGAAA[TG>T]GAAGATGGAGTTTGATACCAGAGAGCGATGGGAAAATCCTTTGATGGGTTGGGCATCAAC-3'